The following is an entry in ClinVar:

NM_000038.6(APC):c.933+1206A>G

Gene: APC (APC regulator of WNT signaling pathway; plus strand). Cytogenetic location: 5q22.2.
Variant type: single nucleotide variant.
Coding change: c.933+1206A>G on transcript NM_000038.6 (MANE Select); 1206 bases into the intron after coding-DNA position 933, A replaced by G.
Molecular consequence: intron variant.
Genome position (GRCh38, 1-based): chr5:112,816,799, A>G. VCF-style: chr5-112816799-A-G. GRCh37 (hg19) VCF-style: chr5-112152496-A-G.
Other names: c.933+1206A>G (NM_001354895.2, NM_001127510.3, NM_001354896.2 and 1 more transcripts); c.963+1206A>G (NM_001354897.2, NM_001354902.2); c.879+1206A>G (NM_001127511.3); c.858+1206A>G (NM_001354898.2, NM_001354904.2); c.84+1206A>G (NM_001354906.2); c.849+1206A>G (NM_001354899.2); c.756+1206A>G (NM_001354900.2, NM_001354901.2, NM_001354905.2).
Identifiers: ClinVar variation 83108 (VCV000083108.2), dbSNP rs75433732, ClinGen allele CA015702.
Genomic context (GRCh38, chr5:112,816,799, plus strand): 5'-GCTGAGATTGTGCCATTGCACTCCAGCCTGGGCAACAAGAGCAAAACTCCATTTCAAAAG[A>G]AAAAAAAAAGAGGAAAATATAGTTACTTTATTATTTTAAAGTCAGAGATTTGATTTTATT-3'

ClinVar aggregate classification (germline): other (0 of 4 stars; one submission).

Conditions:
Familial colorectal cancer. Identifiers: MedGen CN280943, MONDO:0023113. Disease mechanism: loss of function.

Allele frequency attached by ClinVar (database versions not stated): TOPMed below 0.00001.

Submission:

Systems Biology Platform Zhejiang California International NanoSystems Institute
Classification: other for Familial colorectal cancer. Review status: no assertion criteria provided. Collection method: not provided. Allele origin: unknown.
ClinVar note: Converted during submission from cancer to other.